The following is an entry in ClinVar:

ClinVar aggregate classification (germline): Likely benign (1 of 4 stars; one submission).

Submission:

CeGaT Center for Human Genetics Tuebingen
Classification: Likely benign. Last evaluated: 2025-10-01. Review status: criteria provided, single submitter. Criteria: CeGaT Center For Human Genetics Tuebingen Variant Classification Criteria Version 2. Collection method: clinical testing. Allele origin: germline. Affected: yes. Observed: 1 variant allele.
Comment: MUC22: PM2:Supporting, BP4, BP7

NM_001395414.1(MUC22):c.1779T>A (p.Ser593=)

Gene: MUC22 (mucin 22; plus strand). Cytogenetic location: 6p21.33.
Variant type: single nucleotide variant.
Coding change: c.1779T>A on transcript NM_001395414.1 (MANE Select); coding-DNA position 1779, T replaced by A.
Protein change: p.Ser593=; no amino-acid change (serine 593 retained).
Molecular consequence: synonymous variant.
Genome position (GRCh38, 1-based): chr6:31,027,210, T>A. VCF-style: chr6-31027210-T-A. GRCh37 (hg19) VCF-style: chr6-30994987-T-A.
Other names: c.1779T>A, p.Ser593= (NM_001198815.1); c.1788T>A, p.Ser596= (NM_001318484.1).
Identifiers: ClinVar variation 4534635 (VCV004534635.6).